The following is an entry in ClinVar:

NM_003002.4(SDHD):c.14G>A (p.Trp5Ter)

Genes: SDHD (succinate dehydrogenase complex subunit D; plus strand), LOC126861339 (BRD4-independent group 4 enhancer GRCh37_chr11:111957035-111958234; plus strand). Cytogenetic location: 11q23.1.
Variant type: single nucleotide variant.
Coding change: c.14G>A on transcript NM_003002.4 (MANE Select); coding-DNA position 14, G replaced by A.
Protein change: p.Trp5Ter; replaces tryptophan 5 with a stop codon.
Molecular consequence: nonsense. On other transcripts: non-coding transcript variant (1).
Genome position (GRCh38, 1-based): chr11:112,086,921, G>A. VCF-style: chr11-112086921-G-A. GRCh37 (hg19) VCF-style: chr11-111957645-G-A.
Other names: c.14G>A, p.Trp5Ter (NM_001276503.2, NM_001276504.2, NM_001276506.2); c.14G>A (NM_003002.2); short protein forms W5*.
Identifiers: ClinVar variation 6916 (VCV000006916.18), dbSNP rs104894310, ClinGen allele CA016834.
Genomic context (GRCh38, chr11:112,086,921, plus strand): 5'-CTAAGTGGTTCCGGGTTGGTGGATGACCTTGAGCCCTCAGGAACGAGATGGCGGTTCTCT[G>A]GAGGCTGAGTGCCGTTTGCGGTGCCCTAGGAGGCCGAGGTGAGGGGTCTTCCCACCCTGA-3'

ClinVar aggregate classification (germline): Pathogenic. Review status: criteria provided, multiple submitters, no conflicts (2 of 4 stars). 5 submissions from 5 submitters: Pathogenic (4). 1 of the submissions does not count toward it. Last evaluated 2026-05-01.

Conditions:
Cowden syndrome 3 (CWS3). Identifiers: Orphanet 201, MedGen CN166604, MONDO:0014045.
Paragangliomas with sensorineural hearing loss. Identifiers: MedGen C1868633.
Pheochromocytoma. Also called: MAX-Related Hereditary Paraganglioma-Pheochromocytoma Syndrome. Identifiers: Orphanet 29072, MedGen C0031511, MONDO:0008233, OMIM 171300, HP:0002666.
Carney-Stratakis syndrome. Also called: PARAGANGLIOMA AND GASTROINTESTINAL STROMAL TUMOR. Identifiers: Orphanet 97286, MedGen C1847319, MONDO:0011740, OMIM 606864.
Hereditary cancer-predisposing syndrome. Also called: Neoplastic Syndromes, Hereditary; Tumor predisposition; Hereditary Cancer Syndrome; Hereditary neoplastic syndrome. Identifiers: Orphanet 140162, MedGen C0027672, MeSH D009386, MONDO:0015356.
Pheochromocytoma/paraganglioma syndrome 1. Also called: PARAGANGLIOMATA; Paraganglioma - glomus jugulare; SDHD-Related Hereditary Paraganglioma-Pheochromocytoma Syndrome; Paragangliomas 1; PARAGANGLIOMAS, FAMILIAL NONCHROMAFFIN, 1; PGL 1. Identifiers: Orphanet 29072, MedGen C3494181, MONDO:0008192, OMIM 168000.

Submissions (5):

CeGaT Center for Human Genetics Tuebingen
Classification: Pathogenic. Last evaluated: 2026-05-01. Review status: criteria provided, single submitter. Criteria: CeGaT Center For Human Genetics Tuebingen Variant Classification Criteria Version 2. Collection method: clinical testing. Allele origin: germline. Affected: yes. Observed: 2 variant alleles.
Comment: SDHD: PVS1, PM2, PS4:Moderate

Labcorp Genetics (formerly Invitae), Labcorp
Classification: Pathogenic for Carney-Stratakis syndrome; Paragangliomas with sensorineural hearing loss; Pheochromocytoma; Cowden syndrome 3. Last evaluated: 2025-12-05. Review status: criteria provided, single submitter. Criteria: Invitae Variant Classification Sherloc (09022015). Collection method: clinical testing. Allele origin: germline.
Comment: This sequence change creates a premature translational stop signal (p.Trp5*) in the SDHD gene. It is expected to result in an absent or disrupted protein product. Loss-of-function variants in SDHD are known to be pathogenic (PMID: 19454582, 19802898). This variant is not present in population databases (gnomAD no frequency). This premature translational stop signal has been observed in individual(s) with clinical features of paraganglioma-pheochromocytoma syndrome (PMID: 12000816, 25819804, 30050099). ClinVar contains an entry for this variant (Variation ID: 6916). For these reasons, this variant has been classified as Pathogenic.

Myriad Genetics, Inc.
Classification: Pathogenic for Pheochromocytoma/paraganglioma syndrome 1. Last evaluated: 2025-07-16. Review status: criteria provided, single submitter. Criteria: Myriad Autosomal Dominant, Autosomal Recessive and X-Linked Classification Criteria (2023). Collection method: clinical testing. Allele origin: unknown.
Comment: This variant is considered pathogenic. This variant creates a termination codon and is predicted to result in premature protein truncation.

Ambry Genetics
Classification: Pathogenic for Hereditary cancer-predisposing syndrome. Last evaluated: 2024-03-13. Review status: criteria provided, single submitter. Criteria: Ambry Variant Classification Scheme 2023. Collection method: clinical testing. Allele origin: germline.
Comment: The p.W5* pathogenic mutation (also known as c.14G>A), located in coding exon 1 of the SDHD gene, results from a G to A substitution at nucleotide position 14. This changes the amino acid from a tryptophan to a stop codon within coding exon 1. This mutation has been observed in multiple individuals with a personal and/or family history that is consistent with SDHD-related paraganglioma-pheochromocytoma syndrome (Neumann HP et al. N Engl J Med, 2002 May;346:1459-66; Richter S et al. Genet Med, 2019 Mar;21:705-717; White G et al. Endocr Connect, 2022 Feb;11; Ambry internal data). In addition to the clinical data presented in the literature, this alteration is expected to result in loss of function by premature protein truncation or nonsense-mediated mRNA decay. As such, this alteration is interpreted as a disease-causing mutation.

OMIM
Classification: Pathogenic for PHEOCHROMOCYTOMA/PARAGANGLIOMA SYNDROME 1. Last evaluated: 2002-05-09. Review status: no assertion criteria provided. Collection method: literature only. Allele origin: germline. Not counted in ClinVar's aggregate classification.

Literature cited by the submitters: PubMed 19454582 (cited by Labcorp Genetics (formerly Invitae), Labcorp); PubMed 19802898 (cited by Labcorp Genetics (formerly Invitae), Labcorp); PubMed 12000816 (cited by 3 submitters); PubMed 25819804 (cited by Labcorp Genetics (formerly Invitae), Labcorp); PubMed 30050099 (cited by Labcorp Genetics (formerly Invitae), Labcorp and Ambry Genetics); PubMed 35060925 (cited by Ambry Genetics).